The following is an entry in ClinVar:

ClinVar aggregate classification (germline): Uncertain significance (1 of 4 stars; one submission).

Conditions:
Familial thoracic aortic aneurysm and aortic dissection (TAAD). Also called: Thoracic aortic aneurysms and dissections. Identifiers: Orphanet 91387, MedGen C4707243, MONDO:0019625.

gnomAD v4.1: 2 of 1,199,440 alleles (0.00017%); highest among the groups gnomAD compares: African/African-American, 0.0035%; no homozygotes.

Submission:

Ambry Genetics
Classification: Uncertain significance for Familial thoracic aortic aneurysm and aortic dissection. Last evaluated: 2026-08-08. Review status: criteria provided, single submitter. Criteria: Ambry Variant Classification Scheme 2023. Collection method: clinical testing. Allele origin: germline.
Comment: The p.H5P variant (also known as c.14A>C), located in coding exon 1 of the FLNA gene, results from an A to C substitution at nucleotide position 14. The histidine at codon 5 is replaced by proline, an amino acid with similar properties. This amino acid position is conserved. In addition, the in silico prediction for this alteration is inconclusive. Based on the available evidence, the clinical significance of this variant remains unclear.

NM_001110556.2(FLNA):c.14A>C (p.His5Pro)

Gene: FLNA (filamin A; minus strand). Cytogenetic location: Xq28.
Variant type: single nucleotide variant.
Coding change: c.14A>C on transcript NM_001110556.2 (MANE Select); coding-DNA position 14, A replaced by C.
Protein change: p.His5Pro; replaces histidine 5 with proline.
Molecular consequence: missense variant.
Genome position (GRCh38, 1-based): chrX:154,371,232, T>G on the plus strand (A>C on the coding strand, the complement: FLNA is on the minus strand). VCF-style: chrX-154371232-T-G. GRCh37 (hg19) VCF-style: chrX-153599600-T-G.
Other names: c.14A>C, p.His5Pro (NM_001456.4); short protein forms H5P.
Identifiers: ClinVar variation 5021915 (VCV005021915.1).
Genomic context (GRCh38, chrX:154,371,232, plus strand): 5'-TCCCGCGTGTCGACGCCGCCGCCCGGAGCCGCGCCTGCTGCGCTCTGGCCCGCCCGAGAG[T>G]GGGAGCTACTCATTTTGAGGCGCGAGAAGCCGGGGGGGCGGTGCTGCAGCCTCGGCGAGG-3'
Protein context (NP_001104026.1, residues 1-15): MSSS[His5Pro]SRAGQSAAGA